The following is an entry in ClinVar:

NM_003126.4(SPTA1):c.6675del (p.Asp2225fs)

Gene: SPTA1 (spectrin alpha, erythrocytic 1; minus strand). Cytogenetic location: 1q23.1.
Variant type: Deletion.
Coding change: c.6675del on transcript NM_003126.4 (MANE Select); coding-DNA position 6675, one base deleted (C; older notation c.6675delC).
Protein change: p.Asp2225fs; shifts the reading frame from aspartic acid 2225.
Molecular consequence: frameshift variant.
Genome position (GRCh38, 1-based): chr1:158,615,329, G deleted on the plus strand (C on the coding strand, the reverse complement: SPTA1 is on the minus strand). VCF-style (leftmost placement, unchanged base first): chr1-158615328-CG-C. GRCh37 (hg19) VCF-style: chr1-158585118-CG-C.
Other names: short protein forms D2225fs.
Identifiers: ClinVar variation 5019932 (VCV005019932.2).
Genomic context (GRCh38, chr1:158,615,328, plus strand): 5'-AGAGCTGGTCCCACTGCTGAGCCAATCCAATGGTGCTGTATTTGATATCAAGGATCAGAG[CG>C]TCTTCCAAGTTGTCCCCCAGGTCCACAATCTTGGTTAGTTGACGCTTCATCGCCTGGATC-3'

ClinVar aggregate classification (germline): Likely pathogenic (1 of 4 stars; one submission).

Conditions:
Elliptocytosis 2 (EL2). Also called: ELLIPTOCYTOSIS, RHESUS-UNLINKED TYPE. Identifiers: Orphanet 288, MedGen C1851741, MONDO:0007533, OMIM 130600.
Pyropoikilocytosis, hereditary. Also called: Pyropoikilocytosis. Identifiers: MedGen C0520739, MONDO:0009948, OMIM 266140, HP:0004839. Disease mechanism: loss of function.
Hereditary spherocytosis type 3. Also called: Spherocytosis type 3; SPTA1-Related Spherocytosis. Identifiers: Orphanet 822, MedGen C2678338, MONDO:0010053, OMIM 270970.

Submission:

Juno Genomics, Hangzhou Juno Genomics, Inc
Classification: Likely pathogenic for Hereditary spherocytosis type 3; Elliptocytosis 2; Pyropoikilocytosis, hereditary. Review status: criteria provided, single submitter. Criteria: ACMG Guidelines, 2015. Collection method: clinical testing. Allele origin: germline.
Comment: Absent from controls (or at extremely low frequency if recessive) in Genome Aggregation Database.;Null variant in a gene where loss of function (LOF) is a known mechanism of disease.